The following is an entry in ClinVar:

ClinVar aggregate classification (germline): Uncertain significance (1 of 4 stars; one submission).

Conditions:
Familial adenomatous polyposis 1 (FAP1). Also called: POLYPOSIS, ADENOMATOUS INTESTINAL; FAMILIAL ADENOMATOUS POLYPOSIS 1, ATTENUATED. Identifiers: MedGen C2713442, MONDO:0021056, OMIM 175100. Disease mechanism: loss of function.

Submission:

Labcorp Genetics (formerly Invitae), Labcorp
Classification: Uncertain significance for Familial adenomatous polyposis 1. Last evaluated: 2021-10-02. Review status: criteria provided, single submitter. Criteria: Invitae Variant Classification Sherloc (09022015). Collection method: clinical testing. Allele origin: germline.
Comment: In summary, the available evidence is currently insufficient to determine the role of this variant in disease. Therefore, it has been classified as a Variant of Uncertain Significance. Algorithms developed to predict the effect of missense changes on protein structure and function are either unavailable or do not agree on the potential impact of this missense change (SIFT: "Tolerated"; PolyPhen-2: "Probably Damaging"; Align-GVGD: "Class C0"). This variant has not been reported in the literature in individuals affected with APC-related conditions. This variant is not present in population databases (ExAC no frequency). This sequence change replaces threonine with serine at codon 2546 of the APC protein (p.Thr2546Ser). The threonine residue is highly conserved and there is a small physicochemical difference between threonine and serine.

NM_000038.6(APC):c.7636A>T (p.Thr2546Ser)

Gene: APC (APC regulator of Wnt signaling pathway; plus strand). Cytogenetic location: 5q22.2.
Variant type: single nucleotide variant.
Coding change: c.7636A>T on transcript NM_000038.6 (MANE Select); coding-DNA position 7636, A replaced by T.
Protein change: p.Thr2546Ser; replaces threonine 2546 with serine.
Molecular consequence: missense variant.
Genome position (GRCh38, 1-based): chr5:112,843,230, A>T. VCF-style: chr5-112843230-A-T. GRCh37 (hg19) VCF-style: chr5-112178927-A-T.
Other names: c.7636A>T, p.Thr2546Ser (NM_001127510.3, NM_001354895.2); c.7582A>T, p.Thr2528Ser (NM_001127511.3); c.7690A>T, p.Thr2564Ser (NM_001354896.2); c.7666A>T, p.Thr2556Ser (NM_001354897.2); c.7561A>T, p.Thr2521Ser (NM_001354898.2); c.7552A>T, p.Thr2518Ser (NM_001354899.2); c.7513A>T, p.Thr2505Ser (NM_001354900.2); c.7459A>T, p.Thr2487Ser (NM_001354901.2); and 5 more; short protein forms T2505S, T2263S, T2386S, T2420S, T2521S, T2528S, T2445S, T2487S.
Identifiers: ClinVar variation 1488918 (VCV001488918.6), dbSNP rs2149991036, ClinGen allele CA16037917.